The following is an entry in ClinVar:

ClinVar aggregate classification (germline): Uncertain significance (1 of 4 stars; one submission).

Conditions:
Osteogenesis imperfecta type 15. Also called: WNT1-related osteogenesis imperfecta; Osteogenesis imperfecta, type xv; OI, TYPE XV. Identifiers: Orphanet 666, MedGen C3808844, MONDO:0014086, OMIM 615220.

gnomAD v4.1: 1 of 1,609,242 alleles (0.000062%); highest among the groups gnomAD compares: South Asian, 0.0011%; no homozygotes.

Submission:

3billion
Classification: Uncertain significance for Osteogenesis imperfecta type 15. Last evaluated: 2025-02-13. Review status: criteria provided, single submitter. Criteria: ACMG Guidelines, 2015. Collection method: clinical testing. Allele origin: germline. Affected: yes.
Comment: The variant is observed at an extremely low frequency in the gnomAD v4.1.0 dataset (total allele frequency: <0.001%). Predicted Consequence/Location: Missense variant In silico tool predictions suggest damaging effect of the variant on gene or gene product [REVEL: 0.92 (>=0.6, sensitivity 0.68 and specificity 0.92)]. Therefore, this variant is classified as VUS according to the recommendation of ACMG/AMP guideline.

NM_005430.4(WNT1):c.508T>G (p.Cys170Gly)

Gene: WNT1 (Wnt family member 1; plus strand). Cytogenetic location: 12q13.12.
Variant type: single nucleotide variant.
Coding change: c.508T>G on transcript NM_005430.4 (MANE Select); coding-DNA position 508, T replaced by G.
Protein change: p.Cys170Gly; replaces cysteine 170 with glycine.
Molecular consequence: missense variant.
Genome position (GRCh38, 1-based): chr12:48,980,573, T>G. VCF-style: chr12-48980573-T-G. GRCh37 (hg19) VCF-style: chr12-49374356-T-G.
Other names: short protein forms C170G.
Identifiers: ClinVar variation 4294048 (VCV004294048.1).